The following is an entry in ClinVar:

NM_001318852.2(MAPK8IP3):c.3226A>G (p.Met1076Val)

Gene: MAPK8IP3 (mitogen-activated protein kinase 8 interacting protein 3; plus strand). Cytogenetic location: 16p13.3.
Variant type: single nucleotide variant.
Coding change: c.3226A>G on transcript NM_001318852.2 (MANE Select); coding-DNA position 3226, A replaced by G.
Protein change: p.Met1076Val; replaces methionine 1076 with valine.
Molecular consequence: missense variant.
Genome position (GRCh38, 1-based): chr16:1,767,286, A>G. VCF-style: chr16-1767286-A-G. GRCh37 (hg19) VCF-style: chr16-1817287-A-G.
Other names: c.3205A>G, p.Met1069Val (NM_001040439.2); c.3223A>G, p.Met1075Val (NM_015133.5, NM_033392.3); short protein forms M1069V, M1075V, M1076V.
Identifiers: ClinVar variation 1805566 (VCV001805566.1), dbSNP rs2548114208, ClinGen allele CA394237658.

ClinVar aggregate classification (germline): Uncertain significance (1 of 4 stars; one submission).

Conditions:
Neurodevelopmental disorder. Identifiers: MedGen C1535926, MeSH D065886, MONDO:0700092.

Submission:

Victorian Clinical Genetics Services, Murdoch Childrens Research Institute
Classification: Uncertain significance for Neurodevelopmental disorder. Last evaluated: 2020-05-21. Review status: criteria provided, single submitter. Criteria: ACMG Guidelines, 2015. Collection method: clinical testing. Allele origin: germline. Inheritance: Autosomal dominant inheritance. Affected: yes.
Comment: Based on the classification scheme VCGS_Germline_v1.1.1, this variant is classified as 3B-VUS. Following criteria are met: 0102 - Loss-of-function is a known mechanism of disease for this gene. (N) 0107 - This gene is known to be associated with autosomal dominant disease. (N) 0200 - Variant is predicted to result in a missense amino acid change from methionine to valine (exon 26). (N) 0251 - Variant is heterozygous. (N) 0301 - Variant is absent from gnomAD. (P) 0502 - Missense variant with conflicting in silico predictions and/or uninformative conservation. (N) 0604 - Variant is not located in an established domain, motif, hotspot or informative constraint region. (N) 0705 - No comparable variants have previous evidence for pathogenicity. (N) 0807 - Variant has not previously been reported in a clinical context. (N) 0905 - No segregation evidence has been identified for this variant. (N) 1007 - No published functional evidence has been identified for this variant. (N) 1208 - Inheritance information for this variant is not currently available. (N) Legend: (P) - Pathogenic, (N) - Neutral, (B) - Benign